The following is an entry in ClinVar:

ClinVar aggregate classification (germline): Conflicting classifications of pathogenicity. Review status: criteria provided, conflicting classifications (1 of 4 stars). 2 submissions from 2 submitters: Uncertain significance (1); Likely benign (1). Last evaluated 2021-05-05.

Allele frequency attached by ClinVar (database versions not stated): TOPMed below 0.00001; gnomAD 0.00001; gnomAD exomes 0.00001.
gnomAD v4.1: 12 of 1,613,682 alleles (0.00074%); highest among the groups gnomAD compares: East Asian, 0.025%; no homozygotes.

Submissions (2):

Athena Diagnostics
Classification: Uncertain significance. Last evaluated: 2021-05-05. Review status: criteria provided, single submitter. Criteria: Athena Diagnostics criteria. Collection method: clinical testing. Allele origin: unknown.

GeneDx
Classification: Likely benign. Last evaluated: 2018-04-12. Review status: criteria provided, single submitter. Criteria: GeneDx Variant Classification (06012015). Collection method: clinical testing. Allele origin: germline. Affected: yes.
Comment: This variant is considered likely benign or benign based on one or more of the following criteria: it is a conservative change, it occurs at a poorly conserved position in the protein, it is predicted to be benign by multiple in silico algorithms, and/or has population frequency not consistent with disease.

NM_001267550.2(TTN):c.23521A>T (p.Asn7841Tyr)

Gene: TTN (titin; minus strand). Cytogenetic location: 2q31.2.
Variant type: single nucleotide variant.
Coding change: c.23521A>T on transcript NM_001267550.2 (MANE Select); coding-DNA position 23521, A replaced by T.
Protein change: p.Asn7841Tyr; replaces asparagine 7841 with tyrosine.
Molecular consequence: missense variant. On other transcripts: intron variant (3).
Genome position (GRCh38, 1-based): chr2:178,720,121, T>A on the plus strand (A>T on the coding strand, the complement: TTN is on the minus strand). VCF-style: chr2-178720121-T-A. GRCh37 (hg19) VCF-style: chr2-179584848-T-A.
Other names: c.22570A>T, p.Asn7524Tyr (NM_001256850.1); c.19789A>T, p.Asn6597Tyr (NM_133378.4); c.13282+17961A>T (NM_003319.4); c.13858+17961A>T (NM_133437.4); c.13657+17961A>T (NM_133432.3); c.23521A>T (NM_001267550.1); short protein forms N7524Y, N7841Y, N6597Y.
Identifiers: ClinVar variation 680169 (VCV000680169.3), dbSNP rs753072306, ClinGen allele CA2000612.